The following is an entry in ClinVar:

NM_001853.4(COL9A3):c.520-3C>T

Gene: COL9A3 (collagen type IX alpha 3 chain; plus strand). Cytogenetic location: 20q13.33.
Variant type: single nucleotide variant.
Coding change: c.520-3C>T on transcript NM_001853.4 (MANE Select); 3 bases into the intron before coding-DNA position 520, C replaced by T.
Molecular consequence: intron variant.
Genome position (GRCh38, 1-based): chr20:62,824,442, C>T. VCF-style: chr20-62824442-C-T. GRCh37 (hg19) VCF-style: chr20-61455794-C-T.
Identifiers: ClinVar variation 2828958 (VCV002828958.3), dbSNP rs2516037345, ClinGen allele CA2739277226.

ClinVar aggregate classification (germline): Uncertain significance (1 of 4 stars; one submission).

Submission:

Labcorp Genetics (formerly Invitae), Labcorp
Classification: Uncertain significance. Last evaluated: 2024-01-06. Review status: criteria provided, single submitter. Criteria: Invitae Variant Classification Sherloc (09022015). Collection method: clinical testing. Allele origin: germline.
Comment: This sequence change falls in intron 10 of the COL9A3 gene. It does not directly change the encoded amino acid sequence of the COL9A3 protein. It affects a nucleotide within the consensus splice site. This variant is not present in population databases (gnomAD no frequency). This variant has not been reported in the literature in individuals affected with COL9A3-related conditions. Variants that disrupt the consensus splice site are a relatively common cause of aberrant splicing (PMID: 17576681, 9536098). Algorithms developed to predict the effect of sequence changes on RNA splicing suggest that this variant may disrupt the consensus splice site. In summary, the available evidence is currently insufficient to determine the role of this variant in disease. Therefore, it has been classified as a Variant of Uncertain Significance.

Literature cited by the submitters: PubMed 17576681; PubMed 9536098.